The following is an entry in ClinVar:

NM_175875.5(SIX5):c.1471G>A (p.Val491Met)

Gene: SIX5 (SIX homeobox 5; minus strand). Cytogenetic location: 19q13.32.
Variant type: single nucleotide variant.
Coding change: c.1471G>A on transcript NM_175875.5 (MANE Select); coding-DNA position 1471, G replaced by A.
Protein change: p.Val491Met; replaces valine 491 with methionine.
Molecular consequence: missense variant.
Genome position (GRCh38, 1-based): chr19:45,766,488, C>T on the plus strand (G>A on the coding strand, the complement: SIX5 is on the minus strand). VCF-style: chr19-45766488-C-T. GRCh37 (hg19) VCF-style: chr19-46269746-C-T.
Other names: short protein forms V491M.
Identifiers: ClinVar variation 4883654 (VCV004883654.2).
Genomic context (GRCh38, chr19:45,766,488, plus strand): 5'-CTGCAGCTGCCACCTTCACAGGGCTGCCTGGCCCGGCTGCCAACAGCTGCAGGGGCCCCA[C>T]AGCCTGGGGCAGGGTCACCACCTGTGAGGTGGGTACTACCTGGGGCAGGTTCAATAGTGG-3'
Protein context (NP_787071.3, residues 481-501): TSQVVTLPQA[Val491Met]GPLQLLAAGP

ClinVar aggregate classification (germline): Uncertain significance (1 of 4 stars; one submission).

Submission:

Dasa
Classification: Uncertain significance. Last evaluated: 2026-01-12. Review status: criteria provided, single submitter. Criteria: DASA Assertion Criteria. Collection method: clinical testing. Allele origin: germline.
Comment: NM_175875.5(SIX5):c.1471G>A (p.Val491Met) is a missense variant that results in the substitution of valine with methionine. This variant is absent from population databases. The currently available literature and clinical evidence are not sufficient to establish a definitive association between this variant and the reported condition. Therefore, this variant is classified as a variant of uncertain significance.